The following is an entry in ClinVar:

NM_006073.4(TRDN):c.35C>G (p.Thr12Arg)

Gene: TRDN (triadin; minus strand). Cytogenetic location: 6q22.31.
Variant type: single nucleotide variant.
Coding change: c.35C>G on transcript NM_006073.4 (MANE Select); coding-DNA position 35, C replaced by G.
Protein change: p.Thr12Arg; replaces threonine 12 with arginine.
Molecular consequence: missense variant.
Genome position (GRCh38, 1-based): chr6:123,571,120, G>C on the plus strand (C>G on the coding strand, the complement: TRDN is on the minus strand). VCF-style: chr6-123571120-G-C. GRCh37 (hg19) VCF-style: chr6-123892265-G-C.
Other names: c.35C>G, p.Thr12Arg (NM_001251987.2, NM_001256020.2, NM_001256021.2 and 2 more transcripts); short protein forms T12R.
Identifiers: ClinVar variation 2562973 (VCV002562973.2), dbSNP rs2114538250, ClinGen allele CA365569419.

ClinVar aggregate classification (germline): Uncertain significance (1 of 4 stars; one submission).

Conditions:
Cardiovascular phenotype. Identifiers: MedGen CN230736.

Submission:

Ambry Genetics
Classification: Uncertain significance for Cardiovascular phenotype. Last evaluated: 2023-05-02. Review status: criteria provided, single submitter. Criteria: Ambry Variant Classification Scheme 2023. Collection method: clinical testing. Allele origin: germline.
Comment: The p.T12R variant (also known as c.35C>G), located in coding exon 2 of the TRDN gene, results from a C to G substitution at nucleotide position 35. The threonine at codon 12 is replaced by arginine, an amino acid with similar properties. This amino acid position is conserved. In addition, the in silico prediction for this alteration is inconclusive. Since supporting evidence is limited at this time, the clinical significance of this alteration remains unclear.